The following is an entry in ClinVar:

ClinVar aggregate classification (germline): Uncertain significance (1 of 4 stars; one submission).

Conditions:
Noonan syndrome 9 (NS9). Identifiers: Orphanet 648, MedGen C4225282, MONDO:0014691, OMIM 616559.

Submission:

Labcorp Genetics (formerly Invitae), Labcorp
Classification: Uncertain significance for Noonan syndrome 9. Last evaluated: 2022-03-22. Review status: criteria provided, single submitter. Criteria: Invitae Variant Classification Sherloc (09022015). Collection method: clinical testing. Allele origin: germline.
Comment: This variant is not present in population databases (gnomAD no frequency). In summary, the available evidence is currently insufficient to determine the role of this variant in disease. Therefore, it has been classified as a Variant of Uncertain Significance. Algorithms developed to predict the effect of missense changes on protein structure and function are either unavailable or do not agree on the potential impact of this missense change (SIFT: "Deleterious"; PolyPhen-2: "Benign"; Align-GVGD: "Class C35"). This variant has not been reported in the literature in individuals affected with SOS2-related conditions. This sequence change replaces serine, which is neutral and polar, with leucine, which is neutral and non-polar, at codon 1132 of the SOS2 protein (p.Ser1132Leu).

NM_006939.4(SOS2):c.3395C>T (p.Ser1132Leu)

Gene: SOS2 (SOS Ras/Rho guanine nucleotide exchange factor 2; minus strand). Cytogenetic location: 14q21.3.
Variant type: single nucleotide variant.
Coding change: c.3395C>T on transcript NM_006939.4 (MANE Select); coding-DNA position 3395, C replaced by T.
Protein change: p.Ser1132Leu; replaces serine 1132 with leucine.
Molecular consequence: missense variant.
Genome position (GRCh38, 1-based): chr14:50,120,369, G>A on the plus strand (C>T on the coding strand, the complement: SOS2 is on the minus strand). VCF-style: chr14-50120369-G-A. GRCh37 (hg19) VCF-style: chr14-50587087-G-A.
Other names: short protein forms S1132L.
Identifiers: ClinVar variation 1521326 (VCV001521326.6), dbSNP rs2139472231, ClinGen allele CA389639361.